The following is an entry in ClinVar:

ClinVar aggregate classification (germline): Likely benign (1 of 4 stars; one submission).

Conditions:
Mendelian susceptibility to mycobacterial diseases due to partial STAT1 deficiency. Also called: IMMUNODEFICIENCY 31A, MYCOBACTERIOSIS, AUTOSOMAL DOMINANT; STAT1 DEFICIENCY, AUTOSOMAL DOMINANT; Immunodeficiency 31a. Identifiers: Orphanet 319595, MedGen C4013950, MONDO:0013956, OMIM 614892.

Allele frequency attached by ClinVar (database versions not stated): gnomAD exomes 0.00023; gnomAD 0.00065 and 0.00068; TOPMed 0.00072; 1000 Genomes Project 30x 0.00078; 1000 Genomes Project 0.00100.
gnomAD v4.1: 119 of 233,198 alleles (0.051%); highest among the groups gnomAD compares: Middle Eastern, 0.17%; no homozygotes.

Submission:

Illumina Laboratory Services, Illumina
Classification: Likely benign for Mendelian susceptibility to mycobacterial diseases due to partial STAT1 deficiency. Last evaluated: 2018-01-12. Review status: criteria provided, single submitter. Criteria: ICSL Variant Classification Criteria 13 December 2019. Collection method: clinical testing. Allele origin: germline.
Comment: This variant was observed in the ICSL laboratory as part of a predisposition screen in an ostensibly healthy population. It had not been previously curated by ICSL or reported in the Human Gene Mutation Database (HGMD: prior to June 1st, 2018), and was therefore a candidate for classification through an automated scoring system. Utilizing variant allele frequency, disease prevalence and penetrance estimates, and inheritance mode, an automated score was calculated to assess if this variant is too frequent to cause the disease. Based on the score and internal cut-off values, a variant classified as likely benign is not then subjected to further curation. The score for this variant resulted in a classification of likely benign for this disease.

NM_007315.4(STAT1):c.*428G>C

Gene: STAT1 (signal transducer and activator of transcription 1; minus strand). Cytogenetic location: 2q32.2.
Variant type: single nucleotide variant.
Coding change: c.*428G>C on transcript NM_007315.4 (MANE Select); 428 bases downstream of the stop codon, G replaced by C.
Molecular consequence: 3 prime UTR variant.
Genome position (GRCh38, 1-based): chr2:190,970,275, C>G on the plus strand (G>C on the coding strand, the complement: STAT1 is on the minus strand). VCF-style: chr2-190970275-C-G. GRCh37 (hg19) VCF-style: chr2-191835001-C-G.
Other names: c.*428G>C (NM_001384880.1, NM_001384881.1, NM_001384882.1 and 9 more transcripts).
Identifiers: ClinVar variation 333260 (VCV000333260.5), dbSNP rs139958571, ClinGen allele CA10613605.